The following is an entry in ClinVar:

NM_014780.5(CUL7):c.1012G>A (p.Val338Met)

Gene: CUL7 (cullin 7; minus strand). Cytogenetic location: 6p21.1.
Variant type: single nucleotide variant.
Coding change: c.1012G>A on transcript NM_014780.5 (MANE Select); coding-DNA position 1012, G replaced by A.
Protein change: p.Val338Met; replaces valine 338 with methionine.
Molecular consequence: missense variant.
Genome position (GRCh38, 1-based): chr6:43,051,189, C>T on the plus strand (G>A on the coding strand, the complement: CUL7 is on the minus strand). VCF-style: chr6-43051189-C-T. GRCh37 (hg19) VCF-style: chr6-43018927-C-T.
Other names: c.1108G>A, p.Val370Met (NM_001168370.2, NM_001374872.1); c.1012G>A, p.Val338Met (NM_001374873.1, NM_001374874.1); short protein forms V338M, V370M.
Identifiers: ClinVar variation 1400421 (VCV001400421.6), dbSNP rs2150335185, ClinGen allele CA364227565.
Genomic context (GRCh38, chr6:43,051,189, plus strand): 5'-GAAAACGTCTTGACCTCCTGAAGGAGGGCTGAGCCTGGGCAGCGGGGAGCCCTGGGCTCA[C>T]ATCTGCCAGCTGAGGCTGGAAGATGGAACCGGGGGACCGTGCTGAGCTCCTTGGTCTGTC-3'
Protein context (NP_055595.2, residues 328-348): GSIFQPQLAD[Val338Met]SPGLPAAQAQ

ClinVar aggregate classification (germline): Uncertain significance (1 of 4 stars; one submission).

gnomAD v4.1: 1 of 1,614,240 alleles (0.000062%); highest among the groups gnomAD compares: Admixed American, 0.0017%; no homozygotes.

Submission:

Labcorp Genetics (formerly Invitae), Labcorp
Classification: Uncertain significance. Last evaluated: 2022-07-19. Review status: criteria provided, single submitter. Criteria: Invitae Variant Classification Sherloc (09022015). Collection method: clinical testing. Allele origin: germline.
Comment: This sequence change replaces valine, which is neutral and non-polar, with methionine, which is neutral and non-polar, at codon 338 of the CUL7 protein (p.Val338Met). This variant is not present in population databases (gnomAD no frequency). This variant has not been reported in the literature in individuals affected with CUL7-related conditions. ClinVar contains an entry for this variant (Variation ID: 1400421). Algorithms developed to predict the effect of missense changes on protein structure and function (SIFT, PolyPhen-2, Align-GVGD) all suggest that this variant is likely to be tolerated. In summary, the available evidence is currently insufficient to determine the role of this variant in disease. Therefore, it has been classified as a Variant of Uncertain Significance.